The following is an entry in ClinVar:

ClinVar aggregate classification (germline): Conflicting classifications of pathogenicity. Review status: criteria provided, conflicting classifications (1 of 4 stars). 2 submissions from 2 submitters: Uncertain significance (1); Likely benign (1). Last evaluated 2026-05-15.

Conditions:
Renal cell carcinoma. Identifiers: Orphanet 217071, MedGen C0007134, MeSH D002292, MONDO:0005086, HP:0005584.
Hereditary cancer-predisposing syndrome. Also called: Neoplastic Syndromes, Hereditary; Hereditary neoplastic syndrome; Hereditary Cancer Syndrome; Tumor predisposition. Identifiers: Orphanet 140162, MedGen C0027672, MeSH D009386, MONDO:0015356.

Allele frequency attached by ClinVar (database versions not stated): gnomAD exomes 0.00001; TOPMed 0.00001.
gnomAD v4.1: 12 of 1,613,988 alleles (0.00074%); highest among the groups gnomAD compares: Non-Finnish European, 0.001%; no homozygotes.

Submissions (2):

Ambry Genetics
Classification: Likely benign for Hereditary cancer-predisposing syndrome. Last evaluated: 2026-05-15. Review status: criteria provided, single submitter. Criteria: Ambry Variant Classification Scheme 2023. Collection method: clinical testing. Allele origin: germline.

Labcorp Genetics (formerly Invitae), Labcorp
Classification: Uncertain significance for Renal cell carcinoma. Last evaluated: 2025-02-03. Review status: criteria provided, single submitter. Criteria: Invitae Variant Classification Sherloc (09022015). Collection method: clinical testing. Allele origin: germline.
Comment: This sequence change replaces valine, which is neutral and non-polar, with isoleucine, which is neutral and non-polar, at codon 467 of the MET protein (p.Val467Ile). This variant is not present in population databases (gnomAD no frequency). This variant has not been reported in the literature in individuals affected with MET-related conditions. ClinVar contains an entry for this variant (Variation ID: 819109). Invitae Evidence Modeling of protein sequence and biophysical properties (such as structural, functional, and spatial information, amino acid conservation, physicochemical variation, residue mobility, and thermodynamic stability) indicates that this missense variant is not expected to disrupt MET protein function with a negative predictive value of 80%. In summary, the available evidence is currently insufficient to determine the role of this variant in disease. Therefore, it has been classified as a Variant of Uncertain Significance.

NM_000245.4(MET):c.1399G>A (p.Val467Ile)

Gene: MET (MET proto-oncogene, receptor tyrosine kinase; plus strand). Cytogenetic location: 7q31.2.
Variant type: single nucleotide variant.
Coding change: c.1399G>A on transcript NM_000245.4 (MANE Select); coding-DNA position 1399, G replaced by A.
Protein change: p.Val467Ile; replaces valine 467 with isoleucine.
Molecular consequence: missense variant.
Genome position (GRCh38, 1-based): chr7:116,739,956, G>A. VCF-style: chr7-116739956-G-A. GRCh37 (hg19) VCF-style: chr7-116380010-G-A.
Other names: c.1399G>A, p.Val467Ile (NM_001127500.3, NM_001324401.3); c.109G>A, p.Val37Ile (NM_001324402.2); short protein forms V467I, V37I.
Identifiers: ClinVar variation 819109 (VCV000819109.16), dbSNP rs1004264326, ClinGen allele CA164872764.